The following is an entry in ClinVar:

ClinVar aggregate classification (germline): Likely benign (1 of 4 stars; one submission).

Submission:

CeGaT Center for Human Genetics Tuebingen
Classification: Likely benign. Last evaluated: 2025-08-01. Review status: criteria provided, single submitter. Criteria: CeGaT Center For Human Genetics Tuebingen Variant Classification Criteria Version 2. Collection method: clinical testing. Allele origin: germline. Affected: yes. Observed: 1 variant allele.
Comment: BLM: PM2:Supporting, BP4, BP7

NM_000057.4(BLM):c.2958A>C (p.Ile986=)

Gene: BLM (BLM RecQ like helicase; plus strand). Cytogenetic location: 15q26.1.
Variant type: single nucleotide variant.
Coding change: c.2958A>C on transcript NM_000057.4 (MANE Select); coding-DNA position 2958, A replaced by C.
Protein change: p.Ile986=; no amino-acid change (isoleucine 986 retained).
Molecular consequence: synonymous variant.
Genome position (GRCh38, 1-based): chr15:90,790,783, A>C. VCF-style: chr15-90790783-A-C. GRCh37 (hg19) VCF-style: chr15-91334013-A-C.
Other names: c.2958A>C, p.Ile986= (NM_001287246.2, NM_001287247.2); c.1833A>C, p.Ile611= (NM_001287248.2).
Identifiers: ClinVar variation 4085766 (VCV004085766.8).